The following is an entry in ClinVar:

NM_032638.5(GATA2):c.151C>T (p.His51Tyr)

Gene: GATA2 (GATA binding protein 2; minus strand). Cytogenetic location: 3q21.3.
Variant type: single nucleotide variant.
Coding change: c.151C>T on transcript NM_032638.5 (MANE Select); coding-DNA position 151, C replaced by T.
Protein change: p.His51Tyr; replaces histidine 51 with tyrosine.
Molecular consequence: missense variant.
Genome position (GRCh38, 1-based): chr3:128,486,881, G>A on the plus strand (C>T on the coding strand, the complement: GATA2 is on the minus strand). VCF-style: chr3-128486881-G-A. GRCh37 (hg19) VCF-style: chr3-128205724-G-A.
Other names: c.151C>T, p.His51Tyr (NM_001145661.2, NM_001145662.1); short protein forms H51Y.
Identifiers: ClinVar variation 4842558 (VCV004842558.1).

ClinVar aggregate classification (germline): Uncertain significance (1 of 4 stars; one submission).

Conditions:
Inborn genetic diseases. Identifiers: MedGen C0950123, MeSH D030342.

gnomAD v4.1: 1 of 1,612,694 alleles (0.000062%); highest among the groups gnomAD compares: East Asian, 0.0022%; no homozygotes.

Submission:

Ambry Genetics
Classification: Uncertain significance for Inborn genetic diseases. Last evaluated: 2025-12-18. Review status: criteria provided, single submitter. Criteria: Ambry Variant Classification Scheme 2023. Collection method: clinical testing. Allele origin: germline.
Comment: The p.H51Y variant (also known as c.151C>T), located in coding exon 1 of the GATA2 gene, results from a C to T substitution at nucleotide position 151. The histidine at codon 51 is replaced by tyrosine, an amino acid with similar properties. This amino acid position is highly conserved in available vertebrate species. In addition, this alteration is predicted to be deleterious by in silico analysis. Based on the available evidence, the clinical significance of this variant remains unclear.